The following is an entry in ClinVar:

ClinVar aggregate classification (germline): Uncertain significance. Review status: criteria provided, multiple submitters, no conflicts (2 of 4 stars). 2 submissions from 2 submitters: Uncertain significance (2). Last evaluated 2024-03-27.

Conditions:
Donnai-Barrow syndrome. Also called: DBS/FOAR SYNDROME; FACIOOCULOACOUSTICORENAL SYNDROME. Identifiers: Orphanet 2143, MedGen C1857277, MONDO:0009104, OMIM 222448.

Allele frequency attached by ClinVar (database versions not stated): gnomAD exomes below 0.00001; ExAC 0.00001; gnomAD 0.00001; TOPMed 0.00002; ESP Exome Variant Server 0.00008.
gnomAD v4.1: 2 of 1,613,826 alleles (0.00012%); highest among the groups gnomAD compares: African/African-American, 0.0027%; no homozygotes.

Submissions (2):

Fulgent Genetics
Classification: Uncertain significance for Donnai-Barrow syndrome. Last evaluated: 2024-03-27. Review status: criteria provided, single submitter. Criteria: ACMG Guidelines, 2015. Collection method: clinical testing. Allele origin: germline.

Labcorp Genetics (formerly Invitae), Labcorp
Classification: Uncertain significance. Last evaluated: 2022-09-13. Review status: criteria provided, single submitter. Criteria: Invitae Variant Classification Sherloc (09022015). Collection method: clinical testing. Allele origin: germline.
Comment: This sequence change replaces glutamic acid, which is acidic and polar, with glutamine, which is neutral and polar, at codon 2079 of the LRP2 protein (p.Glu2079Gln). This variant is present in population databases (rs372961660, gnomAD 0.007%). This variant has not been reported in the literature in individuals affected with LRP2-related conditions. ClinVar contains an entry for this variant (Variation ID: 1511035). Advanced modeling of protein sequence and biophysical properties (such as structural, functional, and spatial information, amino acid conservation, physicochemical variation, residue mobility, and thermodynamic stability) performed at Invitae indicates that this missense variant is not expected to disrupt LRP2 protein function. In summary, the available evidence is currently insufficient to determine the role of this variant in disease. Therefore, it has been classified as a Variant of Uncertain Significance.

NM_004525.3(LRP2):c.6235G>C (p.Glu2079Gln)

Gene: LRP2 (LDL receptor related protein 2; minus strand). Cytogenetic location: 2q31.1.
Variant type: single nucleotide variant.
Coding change: c.6235G>C on transcript NM_004525.3 (MANE Select); coding-DNA position 6235, G replaced by C.
Protein change: p.Glu2079Gln; replaces glutamic acid 2079 with glutamine.
Molecular consequence: missense variant.
Genome position (GRCh38, 1-based): chr2:169,212,013, C>G on the plus strand (G>C on the coding strand, the complement: LRP2 is on the minus strand). VCF-style: chr2-169212013-C-G. GRCh37 (hg19) VCF-style: chr2-170068523-C-G.
Other names: short protein forms E2079Q.
Identifiers: ClinVar variation 1511035 (VCV001511035.6), dbSNP rs372961660, ClinGen allele CA1954340.